The following is an entry in ClinVar:

ClinVar aggregate classification (germline): Uncertain significance (1 of 4 stars; one submission).

Submission:

Labcorp Genetics (formerly Invitae), Labcorp
Classification: Uncertain significance. Last evaluated: 2022-04-04. Review status: criteria provided, single submitter. Criteria: Invitae Variant Classification Sherloc (09022015). Collection method: clinical testing. Allele origin: germline.
Comment: This sequence change falls in intron 8 of the IRF4 gene. It does not directly change the encoded amino acid sequence of the IRF4 protein. It affects a nucleotide within the consensus splice site. In summary, the available evidence is currently insufficient to determine the role of this variant in disease. Therefore, it has been classified as a Variant of Uncertain Significance. Variants that disrupt the consensus splice site are a relatively common cause of aberrant splicing (PMID: 17576681, 9536098). Algorithms developed to predict the effect of sequence changes on RNA splicing suggest that this variant may disrupt the consensus splice site. This variant has not been reported in the literature in individuals affected with IRF4-related conditions. This variant is not present in population databases (gnomAD no frequency).

Literature cited by the submitters: PubMed 17576681; PubMed 9536098.

NM_002460.4(IRF4):c.1212+1G>A

Gene: IRF4 (interferon regulatory factor 4; plus strand). Cytogenetic location: 6p25.3.
Variant type: single nucleotide variant.
Coding change: c.1212+1G>A on transcript NM_002460.4 (MANE Select); the canonical splice donor site of the intron after coding-DNA position 1212, G replaced by A.
Molecular consequence: splice donor variant.
Genome position (GRCh38, 1-based): chr6:405,131, G>A. VCF-style: chr6-405131-G-A. GRCh37 (hg19) VCF-style: chr6-405131-G-A.
Other names: c.1209+1G>A (NM_001195286.2).
Identifiers: ClinVar variation 2121686 (VCV002121686.4), dbSNP rs2480833757, ClinGen allele CA362550705.